The following is an entry in ClinVar:

ClinVar aggregate classification (germline): Uncertain significance. Review status: criteria provided, multiple submitters, no conflicts (2 of 4 stars). 4 submissions from 4 submitters: Uncertain significance (4). Last evaluated 2025-03-25.

Conditions:
CEP290-related disorder. Also called: CEP290-related disorders; CEP290-related condition. Identifiers: MedGen CN239314.
Joubert syndrome. Also called: JOUBERT-BOLTSHAUSER SYNDROME; Familial aplasia of the vermis. Identifiers: Orphanet 475, MedGen C5979921, MONDO:0018772.
Nephronophthisis. Also called: Juvenile Nephronophthisis. Identifiers: Orphanet 655, MedGen C0687120, MONDO:0019005, HP:0000090.
Meckel-Gruber syndrome. Also called: DYSENCEPHALIA SPLANCHNOCYSTICA; GRUBER SYNDROME; Dysencephalia splachnocystica. Identifiers: Orphanet 564, MedGen C0265215, MONDO:0018921.

Allele frequency attached by ClinVar (database versions not stated): gnomAD 0.00001; TOPMed 0.00002.
gnomAD v4.1: 16 of 1,589,936 alleles (0.001%); highest among the groups gnomAD compares: Middle Eastern, 0.017%; no homozygotes.

Submissions (4):

PreventionGenetics, part of Exact Sciences
Classification: Uncertain significance for CEP290-related condition. Last evaluated: 2025-03-25. Review status: criteria provided, single submitter. Criteria: ACMG Guidelines, 2015. Collection method: clinical testing. Allele origin: germline.
Comment: The CEP290 c.3617A>G variant is predicted to result in the amino acid substitution p.His1206Arg. To our knowledge, this variant has not been reported in the literature. This variant is reported in 0.0089% of alleles in individuals of African descent in gnomAD. At this time, the clinical significance of this variant is uncertain due to the absence of conclusive functional and genetic evidence.

GeneDx
Classification: Uncertain significance. Last evaluated: 2023-02-02. Review status: criteria provided, single submitter. Criteria: GeneDx Variant Classification Process June 2021. Collection method: clinical testing. Allele origin: germline. Affected: yes.
Comment: Not observed at significant frequency in large population cohorts (gnomAD); In silico analysis supports that this missense variant has a deleterious effect on protein structure/function; Has not been previously published as pathogenic or benign to our knowledge

Blueprint Genetics
Classification: Uncertain significance. Last evaluated: 2022-11-04. Review status: criteria provided, single submitter. Criteria: ACMG Guidelines, 2015. Collection method: clinical testing. Allele origin: germline.

Labcorp Genetics (formerly Invitae), Labcorp
Classification: Uncertain significance for Joubert syndrome; Meckel-Gruber syndrome; Nephronophthisis. Last evaluated: 2022-06-28. Review status: criteria provided, single submitter. Criteria: Invitae Variant Classification Sherloc (09022015). Collection method: clinical testing. Allele origin: germline.
Comment: This sequence change replaces histidine, which is basic and polar, with arginine, which is basic and polar, at codon 1206 of the CEP290 protein (p.His1206Arg). This variant is present in population databases (no rsID available, gnomAD 0.009%). This variant has not been reported in the literature in individuals affected with CEP290-related conditions. Algorithms developed to predict the effect of missense changes on protein structure and function (SIFT, PolyPhen-2, Align-GVGD) all suggest that this variant is likely to be tolerated. Algorithms developed to predict the effect of sequence changes on RNA splicing suggest that this variant may create or strengthen a splice site. In summary, the available evidence is currently insufficient to determine the role of this variant in disease. Therefore, it has been classified as a Variant of Uncertain Significance.

NM_025114.4(CEP290):c.3617A>G (p.His1206Arg)

Gene: CEP290 (centrosomal protein 290; minus strand). Cytogenetic location: 12q21.32.
Variant type: single nucleotide variant.
Coding change: c.3617A>G on transcript NM_025114.4 (MANE Select); coding-DNA position 3617, A replaced by G.
Protein change: p.His1206Arg; replaces histidine 1206 with arginine.
Molecular consequence: missense variant.
Genome position (GRCh38, 1-based): chr12:88,089,444, T>C on the plus strand (A>G on the coding strand, the complement: CEP290 is on the minus strand). VCF-style: chr12-88089444-T-C. GRCh37 (hg19) VCF-style: chr12-88483221-T-C.
Other names: short protein forms H1206R.
Identifiers: ClinVar variation 2157784 (VCV002157784.4), dbSNP rs1356145243, ClinGen allele CA386001159.